The following is an entry in ClinVar:

NM_016169.4(SUFU):c.1271dup (p.Tyr424Ter)

Gene: SUFU (SUFU negative regulator of hedgehog signaling; plus strand). Cytogenetic location: 10q24.32.
Variant type: Duplication.
Coding change: c.1271dup on transcript NM_016169.4 (MANE Select); coding-DNA position 1271, one base duplicated (A; older notation c.1271dupA).
Protein change: p.Tyr424Ter; replaces tyrosine 424 with a stop codon.
Molecular consequence: nonsense.
Genome position (GRCh38, 1-based): chr10:102,617,403, A duplicated. VCF-style (leftmost placement, unchanged base first): chr10-102617402-T-TA. GRCh37 (hg19) VCF-style: chr10-104377159-T-TA.
Other names: c.1271dup, p.Tyr424Ter (NM_001178133.2); short protein forms Y424*.
Identifiers: ClinVar variation 4759328 (VCV004759328.1).

ClinVar aggregate classification (germline): Likely pathogenic (1 of 4 stars; one submission).

Conditions:
Basal cell nevus syndrome 2 (BCNS2). Also called: NEVOID BASAL CELL CARCINOMA SYNDROME 2. Identifiers: MedGen C5830451, MONDO:0958189, OMIM 620343.

Submission:

Institute for Genomic Medicine (IGM) Clinical Laboratory, Nationwide Children's Hospital
Classification: Likely pathogenic for Basal cell nevus syndrome 2. Last evaluated: 2023-05-24. Review status: criteria provided, single submitter. Criteria: ACMG Guidelines, 2015. Collection method: clinical testing. Allele origin: germline.
Comment: This variant is predicted to result in loss of function through nonsense-mediated decay of the encoded transcript or premature truncation of the encoded protein in a gene in which loss of function is a known mechanism of disease (ACMG/AMP: PVS1; PMIDs:12068298, 21188540). This variant is absent from or present at an exceedingly low frequency in gnomAD, a large-scale control population database (ACMG/AMP: PM2).

Literature cited by the submitters: PubMed 12068298; PubMed 21188540.